The following is an entry in ClinVar:

ClinVar aggregate classification (germline): Likely benign. Review status: criteria provided, single submitter (1 of 4 stars). 2 submissions from 2 submitters: Likely benign (1). 1 of the submissions does not count toward it. Last evaluated 2025-09-28.

Conditions:
MEGF10-related disorder. Also called: MEGF10-related condition.
MEGF10-related myopathy (CMYO10A). Also called: Congenital myopathy 10A, severe variant. Identifiers: Orphanet 439212, MedGen C3280679, MONDO:0013731, OMIM 614399.

Allele frequency attached by ClinVar (database versions not stated): ExAC 0.00003; gnomAD exomes 0.00005 and 0.00007; TOPMed 0.00005; gnomAD 0.00007; ESP Exome Variant Server 0.00008.
gnomAD v4.1: 121 of 1,609,308 alleles (0.0075%); highest among the groups gnomAD compares: South Asian, 0.011%; no homozygotes.

Submissions (2):

Labcorp Genetics (formerly Invitae), Labcorp
Classification: Likely benign for MEGF10-related myopathy. Last evaluated: 2025-09-28. Review status: criteria provided, single submitter. Criteria: Invitae Variant Classification Sherloc (09022015). Collection method: clinical testing. Allele origin: germline.

PreventionGenetics, part of Exact Sciences
Classification: Likely benign for MEGF10-related condition. Last evaluated: 2022-01-20. Review status: no assertion criteria provided. Collection method: clinical testing. Allele origin: germline. Not counted in ClinVar's aggregate classification.
Comment: This variant is classified as likely benign based on ACMG/AMP sequence variant interpretation guidelines (Richards et al. 2015 PMID: 25741868, with internal and published modifications).

NM_001256545.2(MEGF10):c.210G>A (p.Thr70=)

Gene: MEGF10 (multiple EGF like domains 10; plus strand). Cytogenetic location: 5q23.2.
Variant type: single nucleotide variant.
Coding change: c.210G>A on transcript NM_001256545.2 (MANE Select); coding-DNA position 210, G replaced by A.
Protein change: p.Thr70=; no amino-acid change (threonine 70 retained).
Molecular consequence: synonymous variant.
Genome position (GRCh38, 1-based): chr5:127,339,213, G>A. VCF-style: chr5-127339213-G-A. GRCh37 (hg19) VCF-style: chr5-126674905-G-A.
Other names: c.210G>A, p.Thr70= (NM_001308119.2, NM_001308121.2, NM_032446.3).
Identifiers: ClinVar variation 706037 (VCV000706037.13), dbSNP rs369231278, ClinGen allele CA3391193.
Genomic context (GRCh38, chr5:127,339,213, plus strand): 5'-TCCCTTTGATCAAATTTACTACACGAGCTGCACTGACATTCTAAACTGGTTTAAATGCAC[G>A]CGGCACAGGTAATAGAAGCTCAGGCATGTTTGTGAGTTTGGCTAACTGGGAATAGATTCT-3'
Protein context (NP_001243474.1, residues 60-80): CTDILNWFKC[Thr70=]RHRVSYRTAY